The following is an entry in ClinVar:

NM_005506.4(SCARB2):c.277G>A (p.Glu93Lys)

Gene: SCARB2 (scavenger receptor class B member 2; minus strand). Cytogenetic location: 4q21.1.
Variant type: single nucleotide variant.
Coding change: c.277G>A on transcript NM_005506.4 (MANE Select); coding-DNA position 277, G replaced by A.
Protein change: p.Glu93Lys; replaces glutamic acid 93 with lysine.
Molecular consequence: missense variant. On other transcripts: intron variant (1).
Genome position (GRCh38, 1-based): chr4:76,181,100, C>T on the plus strand (G>A on the coding strand, the complement: SCARB2 is on the minus strand). VCF-style: chr4-76181100-C-T. GRCh37 (hg19) VCF-style: chr4-77102253-C-T.
Other names: p.E93K:GAA>AAA; c.276-5190G>A (NM_001204255.2); short protein forms E93K.
Identifiers: ClinVar variation 206724 (VCV000206724.23), dbSNP rs145870223, ClinGen allele CA317091.

ClinVar aggregate classification (germline): Uncertain significance. Review status: criteria provided, multiple submitters, no conflicts (2 of 4 stars). 9 submissions from 9 submitters: Uncertain significance (9). Last evaluated 2025-09-24.

Conditions:
Progressive myoclonic epilepsy. Also called: Familial progressive myoclonic epilepsy; Myoclonic Epilepsies, Progressive; Progressive myoclonus epilepsy; Myoclonus epilepsy. Identifiers: Orphanet 308, Orphanet 98261, MedGen C0751778, MONDO:0020074.
Inborn genetic diseases. Identifiers: MedGen C0950123, MeSH D030342.
Action myoclonus-renal failure syndrome. Also called: EPILEPSY, PROGRESSIVE MYOCLONIC, 4, WITH RENAL FAILURE; EPILEPSY, PROGRESSIVE MYOCLONIC, 4, WITHOUT RENAL FAILURE; SCARB2-Related Action Myoclonus-Renal Failure Syndrome; MYOCLONUS-NEPHROPATHY SYNDROME. Identifiers: Orphanet 163696, MedGen C0751779, MeSH D020191, MONDO:0009699, OMIM 254900.

Allele frequency attached by ClinVar (database versions not stated): gnomAD exomes 0.00014 and 0.00018; ExAC 0.00016; gnomAD 0.00016 and 0.00017; TOPMed 0.00022; ESP Exome Variant Server 0.00031.
gnomAD v4.1: 294 of 1,613,272 alleles (0.018%); highest among the groups gnomAD compares: Middle Eastern, 0.36%; 1 homozygote.

Submissions (9):

GeneDx
Classification: Uncertain significance. Last evaluated: 2025-09-24. Review status: criteria provided, single submitter. Criteria: GeneDx Variant Classification Process June 2021. Collection method: clinical testing. Allele origin: germline. Affected: yes.
Comment: Reported in the heterozgyous state in a patient with focal epilepsy and SUDEP, who also harbored rare variants in five other genes; segregation was inconclusive (PMID: 29261713); In silico analysis supports that this missense variant has a deleterious effect on protein structure/function; This variant is associated with the following publications: (PMID: 34791078, 29261713)

ARUP Laboratories, Molecular Genetics and Genomics, ARUP Laboratories
Classification: Uncertain significance for Action myoclonus-renal failure syndrome. Last evaluated: 2025-01-17. Review status: criteria provided, single submitter. Criteria: ARUP Molecular Germline Variant Investigation Process 2024. Collection method: clinical testing. Allele origin: germline.

Blueprint Genetics
Classification: Uncertain significance. Last evaluated: 2024-10-28. Review status: criteria provided, single submitter. Criteria: ACMG Guidelines, 2015. Collection method: clinical testing. Allele origin: germline.

Fulgent Genetics
Classification: Uncertain significance for Action myoclonus-renal failure syndrome. Last evaluated: 2024-05-31. Review status: criteria provided, single submitter. Criteria: ACMG Guidelines, 2015. Collection method: clinical testing. Allele origin: germline.

Ambry Genetics
Classification: Uncertain significance for Inborn genetic diseases. Last evaluated: 2024-04-19. Review status: criteria provided, single submitter. Criteria: Ambry Variant Classification Scheme 2023. Collection method: clinical testing. Allele origin: germline.

Labcorp Genetics (formerly Invitae), Labcorp
Classification: Uncertain significance for Progressive myoclonic epilepsy. Last evaluated: 2022-10-13. Review status: criteria provided, single submitter. Criteria: Invitae Variant Classification Sherloc (09022015). Collection method: clinical testing. Allele origin: germline.
Comment: This sequence change replaces glutamic acid, which is acidic and polar, with lysine, which is basic and polar, at codon 93 of the SCARB2 protein (p.Glu93Lys). This variant is present in population databases (rs145870223, gnomAD 0.02%), including at least one homozygous and/or hemizygous individual. This missense change has been observed in individual(s) with focal epilepsy and sudden unexpected death in epilepsy (SUDEP) (PMID: 29261713). ClinVar contains an entry for this variant (Variation ID: 206724). Algorithms developed to predict the effect of missense changes on protein structure and function are either unavailable or do not agree on the potential impact of this missense change (SIFT: "Deleterious"; PolyPhen-2: "Possibly Damaging"; Align-GVGD: "Class C15"). In summary, the available evidence is currently insufficient to determine the role of this variant in disease. Therefore, it has been classified as a Variant of Uncertain Significance.

Eurofins Ntd Llc (ga)
Classification: Uncertain significance. Last evaluated: 2018-08-23. Review status: criteria provided, single submitter. Criteria: EGL ClinVar v180209 classification definitions. Collection method: clinical testing. Allele origin: germline. Observed: 1 variant allele, 1 heterozygote.

Athena Diagnostics
Classification: Uncertain significance. Last evaluated: 2017-03-01. Review status: criteria provided, single submitter. Criteria: Athena Diagnostics Criteria. Collection method: clinical testing. Allele origin: germline.

Breakthrough Genomics
Classification: Uncertain significance. Review status: criteria provided, single submitter. Criteria: ACMG Guidelines, 2015. Collection method: not provided. Allele origin: germline. Inheritance: Autosomal recessive inheritance. Affected: yes.

Literature cited by the submitters: PubMed 29261713 (cited by 3 submitters); PubMed 34791078 (cited by Ambry Genetics).